The following is an entry in ClinVar:

ClinVar aggregate classification (germline): Likely benign (1 of 4 stars; one submission).

Allele frequency attached by ClinVar (database versions not stated): gnomAD exomes below 0.00001.
gnomAD v4.1: 3 of 1,613,682 alleles (0.00019%); highest among the groups gnomAD compares: Non-Finnish European, 0.00025%; no homozygotes.

Submission:

GeneDx
Classification: Likely benign. Last evaluated: 2018-02-15. Review status: criteria provided, single submitter. Criteria: GeneDx Variant Classification (06012015). Collection method: clinical testing. Allele origin: germline. Affected: yes.
Comment: This variant is considered likely benign or benign based on one or more of the following criteria: it is a conservative change, it occurs at a poorly conserved position in the protein, it is predicted to be benign by multiple in silico algorithms, and/or has population frequency not consistent with disease.

NM_001267550.2(TTN):c.70538A>G (p.Asn23513Ser)

Genes: TTN (titin; minus strand), TTN-AS1 (TTN antisense RNA 1; plus strand), LOC126806422 (BRD4-independent group 4 enhancer GRCh37_chr2:179440205-179441404; plus strand). Cytogenetic location: 2q31.2.
Variant type: single nucleotide variant.
Coding change: c.70538A>G on transcript NM_001267550.2 (MANE Select); coding-DNA position 70538, A replaced by G.
Protein change: p.Asn23513Ser; replaces asparagine 23513 with serine.
Molecular consequence: missense variant.
Genome position (GRCh38, 1-based): chr2:178,575,594, T>C on the plus strand (A>G on the coding strand, the complement: TTN is on the minus strand). VCF-style: chr2-178575594-T-C. GRCh37 (hg19) VCF-style: chr2-179440321-T-C.
Other names: c.65615A>G, p.Asn21872Ser (NM_001256850.1); c.43343A>G, p.Asn14448Ser (NM_003319.4); c.62834A>G, p.Asn20945Ser (NM_133378.4); c.43718A>G, p.Asn14573Ser (NM_133432.3); c.43919A>G, p.Asn14640Ser (NM_133437.4); short protein forms N21872S, N23513S, N14640S, N20945S, N14448S, N14573S.
Identifiers: ClinVar variation 515599 (VCV000515599.1), dbSNP rs1553613561, ClinGen allele CA349662630.